The following is an entry in ClinVar:

ClinVar aggregate classification (germline): Uncertain significance (1 of 4 stars; one submission).

Conditions:
SIN3A-related intellectual disability syndrome due to a point mutation. Also called: WITTEVEEN-KOLK SYNDROME; 15q24 Microdeletion Syndrome. Identifiers: Orphanet 500166, Orphanet 94065, MedGen C4310804, MONDO:0044700, OMIM 613406.

gnomAD v4.1: 1 of 1,614,194 alleles (0.000062%); highest among the groups gnomAD compares: Non-Finnish European, 0.000085%; no homozygotes.

Submission:

Laboratorio de Genetica e Diagnostico Molecular, Hospital Israelita Albert Einstein
Classification: Uncertain significance for SIN3A-related intellectual disability syndrome due to a point mutation. Last evaluated: 2025-03-28. Review status: criteria provided, single submitter. Criteria: ACMG Guidelines, 2015. Collection method: clinical testing. Allele origin: germline. Affected: yes.
Comment: ACMG classification criteria: PM2 supporting, PP2 supporting, BP4 supporting

NM_001145358.2(SIN3A):c.328G>A (p.Ala110Thr)

Gene: SIN3A (SIN3 transcription regulator family member A; minus strand). Cytogenetic location: 15q24.2.
Variant type: single nucleotide variant.
Coding change: c.328G>A on transcript NM_001145358.2 (MANE Select); coding-DNA position 328, G replaced by A.
Protein change: p.Ala110Thr; replaces alanine 110 with threonine.
Molecular consequence: missense variant.
Genome position (GRCh38, 1-based): chr15:75,422,685, C>T on the plus strand (G>A on the coding strand, the complement: SIN3A is on the minus strand). VCF-style: chr15-75422685-C-T. GRCh37 (hg19) VCF-style: chr15-75715026-C-T.
Other names: c.328G>A, p.Ala110Thr (NM_001145357.2, NM_001437462.1, NM_001437463.1 and 1 more transcripts); short protein forms A110T.
Identifiers: ClinVar variation 4076171 (VCV004076171.1).